The following is an entry in ClinVar:

NM_001166114.2(PNPLA6):c.2782C>T (p.Arg928Cys)

Gene: PNPLA6 (patatin like domain 6, lysophospholipase; plus strand). Cytogenetic location: 19p13.2.
Variant type: single nucleotide variant.
Coding change: c.2782C>T on transcript NM_001166114.2 (MANE Select); coding-DNA position 2782, C replaced by T.
Protein change: p.Arg928Cys; replaces arginine 928 with cysteine.
Molecular consequence: missense variant.
Genome position (GRCh38, 1-based): chr19:7,555,040, C>T. VCF-style: chr19-7555040-C-T. GRCh37 (hg19) VCF-style: chr19-7619926-C-T.
Other names: c.2812C>T, p.Arg938Cys (NM_001166111.2); c.2587C>T, p.Arg863Cys (NM_001166112.2); c.2668C>T, p.Arg890Cys (NM_001166113.1, NM_006702.5); short protein forms R863C, R890C, R928C, R938C.
Identifiers: ClinVar variation 937306 (VCV000937306.9), dbSNP rs765924753, ClinGen allele CA403130049.

ClinVar aggregate classification (germline): Uncertain significance (1 of 4 stars; one submission).

Conditions:
Hereditary spastic paraplegia 39 (SPG39). Also called: Spastic Paraplegia Type 39 (SPG39); SPASTIC PARAPLEGIA 39, AUTOSOMAL RECESSIVE. Identifiers: Orphanet 139480, MedGen C2677586, MONDO:0012787, OMIM 612020.

Allele frequency attached by ClinVar (database versions not stated): gnomAD exomes below 0.00001.
gnomAD v4.1: 2 of 1,593,556 alleles (0.00013%); highest among the groups gnomAD compares: South Asian, 0.0011%; no homozygotes.

Submission:

Labcorp Genetics (formerly Invitae), Labcorp
Classification: Uncertain significance for Hereditary spastic paraplegia 39. Last evaluated: 2022-07-11. Review status: criteria provided, single submitter. Criteria: Invitae Variant Classification Sherloc (09022015). Collection method: clinical testing. Allele origin: germline.
Comment: In summary, the available evidence is currently insufficient to determine the role of this variant in disease. Therefore, it has been classified as a Variant of Uncertain Significance. Algorithms developed to predict the effect of missense changes on protein structure and function are either unavailable or do not agree on the potential impact of this missense change (SIFT: "Deleterious"; PolyPhen-2: "Probably Damaging"; Align-GVGD: "Class C0"). ClinVar contains an entry for this variant (Variation ID: 937306). This variant has not been reported in the literature in individuals affected with PNPLA6-related conditions. The frequency data for this variant in the population databases is considered unreliable, as metrics indicate poor data quality at this position in the gnomAD database. This sequence change replaces arginine, which is basic and polar, with cysteine, which is neutral and slightly polar, at codon 890 of the PNPLA6 protein (p.Arg890Cys).